The following is an entry in ClinVar:

NM_004281.4(BAG3):c.502C>T (p.Pro168Ser)

Gene: BAG3 (BAG cochaperone 3; plus strand). Cytogenetic location: 10q26.11.
Variant type: single nucleotide variant.
Coding change: c.502C>T on transcript NM_004281.4 (MANE Select); coding-DNA position 502, C replaced by T.
Protein change: p.Pro168Ser; replaces proline 168 with serine.
Molecular consequence: missense variant.
Genome position (GRCh38, 1-based): chr10:119,670,172, C>T. VCF-style: chr10-119670172-C-T. GRCh37 (hg19) VCF-style: chr10-121429684-C-T.
Other names: short protein forms P168S.
Identifiers: ClinVar variation 539158 (VCV000539158.8), dbSNP rs1554877071, ClinGen allele CA378295216.

ClinVar aggregate classification (germline): Uncertain significance (1 of 4 stars; one submission).

Conditions:
Myofibrillar myopathy 6. Identifiers: Orphanet 199340, MedGen C2751831, MONDO:0013061, OMIM 612954.
Dilated cardiomyopathy 1HH (CMD1HH). Identifiers: Orphanet 154, MedGen C3151293, MONDO:0013479, OMIM 613881.

gnomAD v4.1: 1 of 1,608,592 alleles (0.000062%); highest among the groups gnomAD compares: Non-Finnish European, 0.000085%; no homozygotes.

Submission:

Labcorp Genetics (formerly Invitae), Labcorp
Classification: Uncertain significance for Dilated cardiomyopathy 1HH; Myofibrillar myopathy 6. Last evaluated: 2017-10-17. Review status: criteria provided, single submitter. Criteria: Invitae Variant Classification Sherloc (09022015). Collection method: clinical testing. Allele origin: germline.
Comment: This variant is not present in population databases (ExAC no frequency). This variant has not been reported in the literature in individuals with BAG3-related disease. Algorithms developed to predict the effect of missense changes on protein structure and function do not agree on the potential impact of this missense change (SIFT: "Tolerated"; PolyPhen-2: "Possibly Damaging"; Align-GVGD: "Class C0"). In summary, the available evidence is currently insufficient to determine the role of this variant in disease. Therefore, it has been classified as a Variant of Uncertain Significance. This sequence change replaces proline with serine at codon 168 of the BAG3 protein (p.Pro168Ser). The proline residue is highly conserved and there is a moderate physicochemical difference between proline and serine.